The following is an entry in ClinVar:

ClinVar aggregate classification (germline): Uncertain significance (1 of 4 stars; one submission).

Conditions:
Birt-Hogg-Dube syndrome. Also called: Birt Hogg Dubé syndrome. Identifiers: Orphanet 122, MedGen C0346010, MONDO:0800444.

Submission:

Labcorp Genetics (formerly Invitae), Labcorp
Classification: Uncertain significance for Birt-Hogg-Dube syndrome. Last evaluated: 2026-01-25. Review status: criteria provided, single submitter. Criteria: Invitae Variant Classification Sherloc (09022015). Collection method: clinical testing. Allele origin: germline.
Comment: This sequence change replaces serine, which is neutral and polar, with threonine, which is neutral and polar, at codon 329 of the FLCN protein (p.Ser329Thr). This variant is not present in population databases (gnomAD no frequency). This variant has not been reported in the literature in individuals affected with FLCN-related conditions. Invitae Evidence Modeling of protein sequence and biophysical properties (such as structural, functional, and spatial information, amino acid conservation, physicochemical variation, residue mobility, and thermodynamic stability) indicates that this missense variant is not expected to disrupt FLCN protein function with a negative predictive value of 80%. In summary, the available evidence is currently insufficient to determine the role of this variant in disease. Therefore, it has been classified as a Variant of Uncertain Significance.

NM_144997.7(FLCN):c.985T>A (p.Ser329Thr)

Gene: FLCN (folliculin; minus strand). Cytogenetic location: 17p11.2.
Variant type: single nucleotide variant.
Coding change: c.985T>A on transcript NM_144997.7 (MANE Select); coding-DNA position 985, T replaced by A.
Protein change: p.Ser329Thr; replaces serine 329 with threonine.
Molecular consequence: missense variant.
Genome position (GRCh38, 1-based): chr17:17,219,096, A>T on the plus strand (T>A on the coding strand, the complement: FLCN is on the minus strand). VCF-style: chr17-17219096-A-T. GRCh37 (hg19) VCF-style: chr17-17122410-A-T.
Other names: c.1039T>A, p.Ser347Thr (NM_001353229.2); c.985T>A, p.Ser329Thr (NM_001353230.2, NM_001353231.2); short protein forms S329T, S347T.
Identifiers: ClinVar variation 4713396 (VCV004713396.1).
Genomic context (GRCh38, chr17:17,219,096, plus strand): 5'-GGGACTTGAAGACTGGCAGCTTCCGGGGCTGCCAGCTCCCACAGCCTGAGAGAGAGGAGG[A>T]CTCTGCCGGGCCCTGGGTCAGCTCCCGCCCTTCTGTACTCTCTGGCAACACAGGGGCTTT-3'
Protein context (NP_659434.2, residues 319-339): GRELTQGPAE[Ser329Thr]SSLSGCGSWQ